The following is an entry in ClinVar:

ClinVar aggregate classification (germline): Pathogenic/Likely pathogenic. Review status: criteria provided, multiple submitters, no conflicts (2 of 4 stars). 2 submissions from 2 submitters: Pathogenic (1); Likely pathogenic (1). Last evaluated 2026-05-01.

Conditions:
GATA binding protein 1 related thrombocytopenia with dyserythropoiesis. Also called: GATA1-Related Cytopenia; GATA1-Related X-Linked Cytopenia. Identifiers: MedGen C1845837, MONDO:0100089.
Diamond-Blackfan anemia. Also called: Blackfan Diamond syndrome; Aregenerative anemia chronic congenital; Red cell aplasia, pure hereditary; Congenital hypoplastic anemia; Aase syndrome. Identifiers: Orphanet 124, MedGen C1260899, MeSH D029503, MONDO:0015253, HP:0004810.

Submissions (2):

CeGaT Center for Human Genetics Tuebingen
Classification: Likely pathogenic. Last evaluated: 2026-05-01. Review status: criteria provided, single submitter. Criteria: CeGaT Center For Human Genetics Tuebingen Variant Classification Criteria Version 2. Collection method: clinical testing. Allele origin: germline. Affected: yes. Observed: 1 variant allele.
Comment: GATA1: PVS1:Strong, PM2, PS2:Moderate

Labcorp Genetics (formerly Invitae), Labcorp
Classification: Pathogenic for gene sequencing; Diamond-Blackfan anemia. Last evaluated: 2018-07-08. Review status: criteria provided, single submitter. Criteria: Invitae Variant Classification Sherloc (09022015). Collection method: clinical testing. Allele origin: germline.
Comment: This sequence change creates a premature translational stop signal (p.Tyr63Cysfs*12) in the GATA1 gene. It is expected to result in an absent or disrupted protein product. This variant is not present in population databases (ExAC no frequency). This variant has not been reported in the literature in individuals with GATA1-related disease. Algorithms developed to predict the effect of sequence changes on RNA splicing suggest that this variant may create or strengthen a splice site, but this prediction has not been confirmed by published transcriptional studies. Loss-of-function variants in GATA1 are known to be pathogenic (PMID: 16783379, 22706301, 23704091, 24453067). For these reasons, this variant has been classified as Pathogenic.

NM_002049.4(GATA1):c.166_187dup (p.Tyr63fs)

Gene: GATA1 (GATA binding protein 1; plus strand). Cytogenetic location: Xp11.23.
Variant type: Duplication.
Coding change: c.166_187dup on transcript NM_002049.4 (MANE Select); coding-DNA positions 166 to 187, 22 bases duplicated (GCAGCTGCGGCACTGGCCTACT).
Protein change: p.Tyr63fs; shifts the reading frame from tyrosine 63.
Molecular consequence: frameshift variant.
Genome position (GRCh38, 1-based): chrX:48,791,275-48,791,296, GCAGCTGCGGCACTGGCCTACT duplicated; duplicating any 22 consecutive bases within chrX:48,791,273-48,791,296 gives the same sequence; the c. name uses the placement nearest the transcript's 3' end. VCF-style (leftmost placement, unchanged base first): chrX-48791272-G-GCTGCAGCTGCGGCACTGGCCTA. GRCh37 (hg19) VCF-style: chrX-48649679-G-GCTGCAGCTGCGGCACTGGCCTA.
Other names: short protein forms Y63fs.
Identifiers: ClinVar variation 647140 (VCV000647140.3), dbSNP rs1602219139, ClinGen allele CA915951047.